The following is an entry in ClinVar:

ClinVar aggregate classification (germline): Uncertain significance. Review status: criteria provided, multiple submitters, no conflicts (2 of 4 stars). 6 submissions from 6 submitters: Uncertain significance (6). Last evaluated 2026-04-22.

Conditions:
SDHA-related disorder. Also called: SDHA-related disorders; SDHA-related condition.
Inherited phaeochromocytoma and paraganglioma excluding NF1.
Hereditary cancer-predisposing syndrome. Also called: Neoplastic Syndromes, Hereditary; Tumor predisposition; Hereditary Cancer Syndrome; Hereditary neoplastic syndrome. Identifiers: Orphanet 140162, MedGen C0027672, MeSH D009386, MONDO:0015356.
Mitochondrial complex II deficiency, nuclear type 1. Also called: SUCCINATE CoQ REDUCTASE DEFICIENCY. Identifiers: Orphanet 3208, MedGen C5700310, MONDO:0100294, OMIM 252011.
Pheochromocytoma/paraganglioma syndrome 5. Also called: Paragangliomas 5; SDHA-Related Hereditary Paraganglioma-Pheochromocytoma Syndrome. Identifiers: Orphanet 29072, MedGen C3279992, MONDO:0013602, OMIM 614165.

Allele frequency attached by ClinVar (database versions not stated): ExAC 0.00001; gnomAD 0.00001 and 0.00003; TOPMed 0.00001; gnomAD exomes 0.00002 and 0.00007.
gnomAD v4.1: 99 of 1,613,828 alleles (0.0061%); highest among the groups gnomAD compares: Non-Finnish European, 0.0082%; no homozygotes.

Submissions (6):

NHS Central & South Genomic Laboratory Hub
Classification: Uncertain significance for Inherited phaeochromocytoma and paraganglioma excluding NF1. Last evaluated: 2026-04-22. Review status: criteria provided, single submitter. Criteria: ACMG Guidelines, 2015. Collection method: clinical testing. Allele origin: germline. Affected: yes.

Labcorp Genetics (formerly Invitae), Labcorp
Classification: Uncertain significance for Pheochromocytoma/paraganglioma syndrome 5; Mitochondrial complex II deficiency, nuclear type 1. Last evaluated: 2026-01-20. Review status: criteria provided, single submitter. Criteria: Invitae Variant Classification Sherloc (09022015). Collection method: clinical testing. Allele origin: germline.
Comment: This sequence change replaces threonine, which is neutral and polar, with proline, which is neutral and non-polar, at codon 648 of the SDHA protein (p.Thr648Pro). This variant is present in population databases (rs758054627, gnomAD 0.004%). This variant has not been reported in the literature in individuals affected with SDHA-related conditions. ClinVar contains an entry for this variant (Variation ID: 412389). Invitae Evidence Modeling of protein sequence and biophysical properties (such as structural, functional, and spatial information, amino acid conservation, physicochemical variation, residue mobility, and thermodynamic stability) indicates that this missense variant is not expected to disrupt SDHA protein function with a negative predictive value of 95%. In summary, the available evidence is currently insufficient to determine the role of this variant in disease. Therefore, it has been classified as a Variant of Uncertain Significance.

GeneDx
Classification: Uncertain significance. Last evaluated: 2026-01-07. Review status: criteria provided, single submitter. Criteria: GeneDx Variant Classification Process June 2021. Collection method: clinical testing. Allele origin: germline.
Comment: Has not been previously published as pathogenic or benign to our knowledge; Not observed at significant frequency in large population cohorts (gnomAD); In silico analysis supports that this missense variant has a deleterious effect on protein structure/function

PreventionGenetics, part of Exact Sciences
Classification: Uncertain significance for SDHA-related condition. Last evaluated: 2025-10-18. Review status: criteria provided, single submitter. Criteria: ACMG Guidelines, 2015. Collection method: clinical testing. Allele origin: germline.
Comment: The SDHA c.1942A>C variant is predicted to result in the amino acid substitution p.Thr648Pro. To our knowledge, this variant has not been reported in the literature. This variant is reported in 0.0039% of alleles in individuals of European (Non-Finnish) descent in gnomAD and is interpreted as uncertain in ClinVar (Variation ID: 412389). At this time, the clinical significance of this variant is uncertain due to the absence of conclusive functional and genetic evidence.

Ambry Genetics
Classification: Uncertain significance for Hereditary cancer-predisposing syndrome. Last evaluated: 2025-05-08. Review status: criteria provided, single submitter. Criteria: Ambry Variant Classification Scheme 2023. Collection method: clinical testing. Allele origin: germline.
Comment: The p.T648P variant (also known as c.1942A>C), located in coding exon 15 of the SDHA gene, results from an A to C substitution at nucleotide position 1942. The threonine at codon 648 is replaced by proline, an amino acid with highly similar properties. This amino acid position is well conserved in available vertebrate species. In addition, the in silico prediction for this alteration is inconclusive. Since supporting evidence is limited at this time, the clinical significance of this alteration remains unclear.

Quest Diagnostics Nichols Institute San Juan Capistrano
Classification: Uncertain significance. Last evaluated: 2024-08-08. Review status: criteria provided, single submitter. Criteria: Quest Diagnostics criteria. Collection method: clinical testing. Allele origin: unknown.
Comment: The SDHA c.1942A>C (p.Thr648Pro) variant has been reported in the published literature in an individual with congenital optic disc pits (PMID: 34326760 (2021)). The frequency of this variant in the general population, 0.000039 (5/128892 chromosomes (Genome Aggregation Database)), is uninformative in the assessment of its pathogenicity. Analysis of this variant using bioinformatics tools for the prediction of the effect of amino acid changes on protein structure and function yielded conflicting predictions that this variant is deleterious or benign. Based on the available information, we are unable to determine the clinical significance of this variant.

Literature cited by the submitters: PubMed 34326760 (cited by Quest Diagnostics Nichols Institute San Juan Capistrano).

NM_004168.4(SDHA):c.1942A>C (p.Thr648Pro)

Gene: SDHA (succinate dehydrogenase complex flavoprotein subunit A; plus strand). Cytogenetic location: 5p15.33.
Variant type: single nucleotide variant.
Coding change: c.1942A>C on transcript NM_004168.4 (MANE Select); coding-DNA position 1942, A replaced by C.
Protein change: p.Thr648Pro; replaces threonine 648 with proline.
Molecular consequence: missense variant.
Genome position (GRCh38, 1-based): chr5:256,367, A>C. VCF-style: chr5-256367-A-C. GRCh37 (hg19) VCF-style: chr5-256482-A-C.
Other names: c.1798A>C, p.Thr600Pro (NM_001294332.2); c.1699A>C, p.Thr567Pro (NM_001330758.2); short protein forms T648P, T567P, T600P.
Identifiers: ClinVar variation 412389 (VCV000412389.21), dbSNP rs758054627, ClinGen allele CA3173467.